The following is an entry in ClinVar:

ClinVar aggregate classification (germline): Likely benign. Review status: criteria provided, multiple submitters, no conflicts (2 of 4 stars). 2 submissions from 2 submitters: Likely benign (2). Last evaluated 2024-06-14.

Conditions:
Ataxia-telangiectasia syndrome (AT). Also called: LOUIS-BAR SYNDROME; Cerebello-oculocutaneous telangiectasia; Immunodeficiency with ataxia telangiectasia; Ataxia telangiectasia (A-T); Ataxia-telangiectasia, complementation group D; AT, COMPLEMENTATION GROUP C. Identifiers: Orphanet 100, MedGen C0004135, MONDO:0008840, OMIM 208900.
Familial cancer of breast. Also called: BREAST CANCER, FAMILIAL; Hereditary breast cancer; hereditary breast carcinoma. Identifiers: Orphanet 227535, MedGen C0346153, MONDO:0016419, OMIM 114480. Disease mechanism: loss of function.

Submissions (2):

Myriad Genetics, Inc.
Classification: Likely benign for Familial cancer of breast. Last evaluated: 2024-06-14. Review status: criteria provided, single submitter. Criteria: Myriad Autosomal Dominant, Autosomal Recessive and X-Linked Classification Criteria (2023). Collection method: clinical testing. Allele origin: unknown.
Comment: This variant is considered likely benign. This variant is intronic and is not expected to impact mRNA splicing.

Labcorp Genetics (formerly Invitae), Labcorp
Classification: Likely benign for Ataxia-telangiectasia syndrome. Last evaluated: 2024-04-13. Review status: criteria provided, single submitter. Criteria: Invitae Variant Classification Sherloc (09022015). Collection method: clinical testing. Allele origin: germline.

NM_000051.4(ATM):c.7630-16A>G

Genes: ATM (ATM serine/threonine kinase; plus strand), C11orf65 (chromosome 11 open reading frame 65; minus strand). Cytogenetic location: 11q22.3.
Variant type: single nucleotide variant.
Coding change: c.7630-16A>G on transcript NM_000051.4 (MANE Select); 16 bases into the intron before coding-DNA position 7630, A replaced by G.
Molecular consequence: intron variant.
Genome position (GRCh38, 1-based): chr11:108,331,863, A>G. VCF-style: chr11-108331863-A-G. GRCh37 (hg19) VCF-style: chr11-108202590-A-G.
Other names: c.7630-16A>G (NM_001351834.2); c.641-22792T>C (NM_001330368.2); c.*38+3357T>C (NM_001351110.2).
Identifiers: ClinVar variation 1591346 (VCV001591346.9), dbSNP rs2136513501, ClinGen allele CA2573146736.
Genomic context (GRCh38, chr11:108,331,863, plus strand): 5'-AATGTTAAGCAAAATGAAAAATATGGATTATATTTTTTTGTTTATTTGCATAAATCTAAT[A>G]GTTCTTTTCTTACAGCTAATCTCTAGAATTTCAATGGATCACCCCCATCACACTTTGTTT-3'